The following is an entry in ClinVar:

ClinVar aggregate classification (germline): Pathogenic/Likely pathogenic. Review status: criteria provided, multiple submitters, no conflicts (2 of 4 stars). 4 submissions from 4 submitters: Pathogenic (1); Likely pathogenic (3). Last evaluated 2026-01-21.

Conditions:
Meckel syndrome, type 3 (MKS3). Also called: MECKEL-GRUBER SYNDROME, TYPE 3. Identifiers: Orphanet 564, MedGen C1846357, MONDO:0011821, OMIM 607361.
COACH syndrome 1. Identifiers: Orphanet 1454, MedGen C5435651, MONDO:0800103, OMIM 216360, MONDO:0008996.
RHYNS syndrome. Also called: RETINITIS PIGMENTOSA SYNDROME; RETINITIS PIGMENTOSA, HYPOPITUITARISM, NEPHRONOPHTHISIS, AND MILD SKELETAL DYSPLASIA. Identifiers: Orphanet 140976, MedGen C1865794, MONDO:0011202, OMIM 602152.
Nephronophthisis 11 (NPHP11). Identifiers: Orphanet 84081, MedGen C3150796, MONDO:0013302, OMIM 613550.
Joubert syndrome 6 (JBTS6). Identifiers: Orphanet 475, MedGen C1853153, MONDO:0012539, OMIM 610688.
Bardet-Biedl syndrome 14 (BBS14). Identifiers: Orphanet 110, MedGen C2673874, MONDO:0014442, OMIM 615991.
TMEM67-related disorder. Also called: TMEM67-related condition; TMEM67-related disorders. Identifiers: MedGen CN239423.
Meckel-Gruber syndrome. Also called: DYSENCEPHALIA SPLANCHNOCYSTICA; GRUBER SYNDROME; Dysencephalia splachnocystica. Identifiers: Orphanet 564, MedGen C0265215, MONDO:0018921.
Joubert syndrome. Also called: JOUBERT-BOLTSHAUSER SYNDROME; Familial aplasia of the vermis. Identifiers: Orphanet 475, MedGen C5979921, MONDO:0018772.

Allele frequency attached by ClinVar (database versions not stated): gnomAD exomes below 0.00001; ExAC 0.00001; gnomAD 0.00002; TOPMed 0.00005.
gnomAD v4.1: 5 of 1,613,948 alleles (0.00031%); highest among the groups gnomAD compares: Admixed American, 0.0067%; no homozygotes.

Submissions (4):

PreventionGenetics, part of Exact Sciences
Classification: Likely pathogenic for TMEM67-related condition. Last evaluated: 2026-01-21. Review status: criteria provided, single submitter. Criteria: ACMG Guidelines, 2015. Collection method: clinical testing. Allele origin: germline.
Comment: The TMEM67 c.748G>A variant is predicted to result in the amino acid substitution p.Gly250Arg. This variant has been reported in the compound heterozygous state or along with a second TMEM67 variant in multiple individuals with TMEM67-related conditions (Hopp et al. 2011. PubMed ID: 21493627; Summers et al. 2017. PubMed ID: 28497568; Fleming et al. 2017. PubMed ID: 29146704). This variant is reported in 0.0029% of alleles in individuals of Latino descent in gnomAD and is interpreted as pathogenic and likely pathogenic in ClinVar (Variation ID: 126306). This variant is interpreted as likely pathogenic.

Labcorp Genetics (formerly Invitae), Labcorp
Classification: Pathogenic for Joubert syndrome; Meckel-Gruber syndrome. Last evaluated: 2025-11-10. Review status: criteria provided, single submitter. Criteria: Invitae Variant Classification Sherloc (09022015). Collection method: clinical testing. Allele origin: germline.
Comment: This sequence change replaces glycine, which is neutral and non-polar, with arginine, which is basic and polar, at codon 250 of the TMEM67 protein (p.Gly250Arg). This variant is present in population databases (rs587779736, gnomAD 0.003%). This missense change has been observed in individual(s) with Joubert syndrome and related disorders (PMID: 21493627, 28497568). In at least one individual the data is consistent with being in trans (on the opposite chromosome) from a pathogenic variant. ClinVar contains an entry for this variant (Variation ID: 126306). Invitae Evidence Modeling of protein sequence and biophysical properties (such as structural, functional, and spatial information, amino acid conservation, physicochemical variation, residue mobility, and thermodynamic stability) indicates that this missense variant is expected to disrupt TMEM67 protein function with a positive predictive value of 95%. For these reasons, this variant has been classified as Pathogenic.

Fulgent Genetics
Classification: Likely pathogenic for COACH syndrome 1; RHYNS syndrome; Meckel syndrome, type 3; Joubert syndrome 6; Nephronophthisis 11; Bardet-Biedl syndrome 14. Last evaluated: 2024-02-14. Review status: criteria provided, single submitter. Criteria: ACMG Guidelines, 2015. Collection method: clinical testing. Allele origin: germline.

Genetic Services Laboratory, University of Chicago
Classification: Likely pathogenic for Meckel Gruber syndrome. Last evaluated: 2013-09-13. Review status: criteria provided, single submitter. Criteria: ACMG Guidelines, 2007. Collection method: clinical testing. Allele origin: germline. Inheritance: Autosomal recessive inheritance. Affected: yes. Observed: 1 variant allele.

Literature cited by the submitters: PubMed 21493627 (cited by Labcorp Genetics (formerly Invitae), Labcorp); PubMed 28497568 (cited by Labcorp Genetics (formerly Invitae), Labcorp).

NM_153704.6(TMEM67):c.748G>A (p.Gly250Arg)

Gene: TMEM67 (transmembrane protein 67; plus strand). Cytogenetic location: 8q22.1.
Variant type: single nucleotide variant.
Coding change: c.748G>A on transcript NM_153704.6 (MANE Select); coding-DNA position 748, G replaced by A.
Protein change: p.Gly250Arg; replaces glycine 250 with arginine.
Molecular consequence: missense variant. On other transcripts: non-coding transcript variant (1).
Genome position (GRCh38, 1-based): chr8:93,780,626, G>A. VCF-style: chr8-93780626-G-A. GRCh37 (hg19) VCF-style: chr8-94792854-G-A.
Other names: c.505G>A, p.Gly169Arg (NM_001142301.1); short protein forms G169R, G250R.
Identifiers: ClinVar variation 126306 (VCV000126306.13), dbSNP rs587779736, ClinGen allele CA151009.
Genomic context (GRCh38, chr8:93,780,626, plus strand): 5'-CTTTTCTTTGCCATTGTTCTGTTGTAGGTATATGCCAATCTAACATCTTGTCAAGCTCTT[G>A]GAAATATGTGTGTGATGAACATGAATTCTTACGACTTTGCCACATTTGATGCATGTGGAC-3'
Protein context (NP_714915.3, residues 240-260): YANLTSCQAL[Gly250Arg]NMCVMNMNSY